The following is an entry in ClinVar:

ClinVar aggregate classification (germline): Likely pathogenic (1 of 4 stars; one submission).

Conditions:
Phelan-McDermid syndrome. Also called: TELOMERIC 22q13 MONOSOMY SYNDROME; 22q13.3 deletion syndrome; Phelan-McDermid Syndrome-SHANK3 Related. Identifiers: Orphanet 48652, MedGen C1853490, MONDO:0011652, OMIM 606232.

Submission:

Molecular Genetics Department, Kulakov National Medical Research Center for Obstetrics, Gynecology and Perinatology
Classification: Likely pathogenic for Phelan-McDermid syndrome. Review status: criteria provided, single submitter. Criteria: ACMG Guidelines, 2015. Collection method: clinical testing. Allele origin: germline. Affected: yes.
Comment: A previously undescribed nucleotide variant creates an alteration of the canonical splice site c.288+1G>A in the SHANK3 gene. Loss-of-function variants are reported in patients with Phelan-McDermid syndrome, 606232 (3). The variant is not present in population database (gnomAD no frequency). In summary, the currently available evidence indicates that the variant is pathogenic, but additional data are needed to prove that conclusively. Therefore, this variant has been classified as likely pathogenic.

NM_001372044.2:c.288+1G>A

Gene: SHANK3 (SH3 and multiple ankyrin repeat domains 3; plus strand).
Variant type: single nucleotide variant.
Other names: c.288+1G>A (NM_001372044.2).
Identifiers: ClinVar variation 3062287 (VCV003062287.1).